The following is an entry in ClinVar:

ClinVar aggregate classification (germline): Pathogenic. Review status: criteria provided, single submitter (1 of 4 stars). 3 submissions from 3 submitters: Pathogenic (1). 2 of the submissions do not count toward it. Last evaluated 2019-07-11.

Conditions:
Charcot-Marie-Tooth disease, type I (CMT1). Also called: Charcot-Marie-Tooth, Type 1; Charcot-Marie-Tooth disease type 1. Identifiers: Orphanet 65753, MedGen C0751036, MONDO:0019011.
Charcot-Marie-Tooth disease, type IA (CMT1A). Also called: CHARCOT-MARIE-TOOTH DISEASE, DEMYELINATING, TYPE 1A; CHARCOT-MARIE-TOOTH DISEASE, AUTOSOMAL DOMINANT, WITH FOCALLY FOLDED MYELIN SHEATHS, TYPE 1A; CHARCOT-MARIE-TOOTH NEUROPATHY, TYPE 1A; HEREDITARY MOTOR AND SENSORY NEUROPATHY IA; Charcot-Marie-Tooth disease type 1A; CMT 1A. Identifiers: Orphanet 101081, MedGen C0270911, MONDO:0007309, OMIM 118220.

Submissions (3):

Labcorp Genetics (formerly Invitae), Labcorp
Classification: Pathogenic for Charcot-Marie-Tooth disease, type I. Last evaluated: 2019-07-11. Review status: criteria provided, single submitter. Criteria: Invitae Variant Classification Sherloc (09022015). Collection method: clinical testing. Allele origin: germline.
Comment: This variant has been reported to be de novo in an individual affected with Charcot-Marie-Tooth disease, type 1 (CMT1) (PMID: 8995589) and has been reported to segregate with CMT1 in affected families (PMID: 8995589, 1303281). It has also been reported in an unrelated individual affected with CMT1 (PMID: 23689413). ClinVar contains an entry for this variant (Variation ID: 8428). This variant is not present in population databases (ExAC no frequency). This sequence change replaces leucine with proline at codon 16 of the PMP22 protein (p.Leu16Pro). The leucine residue is highly conserved and there is a moderate physicochemical difference between leucine and proline. For these reasons, this variant has been classified as Pathogenic. Experimental studies have shown that this missense change results in an unstable, improperly folded and mislocalized protein (PMID: 26102530, 18795802, 21827951, 25385046, 9425015). Furthermore, mouse models with this missense change recapitulate the human phenotype (PMID: 6313869, 12090404).

OMIM
Classification: Pathogenic for CHARCOT-MARIE-TOOTH DISEASE, TYPE 1A. Last evaluated: 1993-05-01. Review status: no assertion criteria provided. Collection method: literature only. Allele origin: germline. Not counted in ClinVar's aggregate classification.

GeneReviews
No classification provided. Condition: Charcot-Marie-Tooth disease, type IA. Review status: no classification provided. Collection method: literature only. Allele origin: unknown. Not counted in ClinVar's aggregate classification.

Literature cited by the submitters: PubMed 8995589 (cited by Labcorp Genetics (formerly Invitae), Labcorp); PubMed 1303281 (cited by Labcorp Genetics (formerly Invitae), Labcorp and OMIM); PubMed 23689413 (cited by Labcorp Genetics (formerly Invitae), Labcorp); PubMed 26102530 (cited by Labcorp Genetics (formerly Invitae), Labcorp); PubMed 18795802 (cited by Labcorp Genetics (formerly Invitae), Labcorp); PubMed 21827951 (cited by Labcorp Genetics (formerly Invitae), Labcorp); PubMed 25385046 (cited by Labcorp Genetics (formerly Invitae), Labcorp); PubMed 9425015 (cited by Labcorp Genetics (formerly Invitae), Labcorp); PubMed 6313869 (cited by Labcorp Genetics (formerly Invitae), Labcorp); PubMed 12090404 (cited by Labcorp Genetics (formerly Invitae), Labcorp); PubMed 8492918 (cited by OMIM); PubMed 1564512 (cited by OMIM); PubMed 20301384 (cited by GeneReviews); NCBI Bookshelf NBK1205 (cited by GeneReviews).

NM_000304.4(PMP22):c.47T>C (p.Leu16Pro)

Gene: PMP22 (peripheral myelin protein 22; minus strand). Cytogenetic location: 17p12.
Variant type: single nucleotide variant.
Coding change: c.47T>C on transcript NM_000304.4 (MANE Select); coding-DNA position 47, T replaced by C.
Protein change: p.Leu16Pro; replaces leucine 16 with proline.
Molecular consequence: missense variant.
Genome position (GRCh38, 1-based): chr17:15,260,681, A>G on the plus strand (T>C on the coding strand, the complement: PMP22 is on the minus strand). VCF-style: chr17-15260681-A-G. GRCh37 (hg19) VCF-style: chr17-15163998-A-G.
Other names: c.47T>C, p.Leu16Pro (NM_001281455.2, NM_001281456.2, NM_001330143.2 and 2 more transcripts); short protein forms L16P.
Identifiers: ClinVar variation 8428 (VCV000008428.10), dbSNP rs104894617, ClinGen allele CA340784.